The following is an entry in ClinVar:

ClinVar aggregate classification (germline): Uncertain significance (1 of 4 stars; one submission).

Conditions:
Familial cancer of breast. Also called: BREAST CANCER, FAMILIAL; Hereditary breast cancer; hereditary breast carcinoma. Identifiers: Orphanet 227535, MedGen C0346153, MONDO:0016419, OMIM 114480. Disease mechanism: loss of function.

Submission:

Labcorp Genetics (formerly Invitae), Labcorp
Classification: Uncertain significance for Familial cancer of breast. Last evaluated: 2025-06-08. Review status: criteria provided, single submitter. Criteria: Invitae Variant Classification Sherloc (09022015). Collection method: clinical testing. Allele origin: germline.
Comment: This sequence change replaces proline, which is neutral and non-polar, with threonine, which is neutral and polar, at codon 719 of the PALB2 protein (p.Pro719Thr). This variant is not present in population databases (gnomAD no frequency). This variant has not been reported in the literature in individuals affected with PALB2-related conditions. Invitae Evidence Modeling of protein sequence and biophysical properties (such as structural, functional, and spatial information, amino acid conservation, physicochemical variation, residue mobility, and thermodynamic stability) indicates that this missense variant is not expected to disrupt PALB2 protein function with a negative predictive value of 80%. In summary, the available evidence is currently insufficient to determine the role of this variant in disease. Therefore, it has been classified as a Variant of Uncertain Significance.

NM_024675.4(PALB2):c.2155C>A (p.Pro719Thr)

Gene: PALB2 (partner and localizer of BRCA2; minus strand). Cytogenetic location: 16p12.2.
Variant type: single nucleotide variant.
Coding change: c.2155C>A on transcript NM_024675.4 (MANE Select); coding-DNA position 2155, C replaced by A.
Protein change: p.Pro719Thr; replaces proline 719 with threonine.
Molecular consequence: missense variant. On other transcripts: intron variant (1).
Genome position (GRCh38, 1-based): chr16:23,629,999, G>T on the plus strand (C>A on the coding strand, the complement: PALB2 is on the minus strand). VCF-style: chr16-23629999-G-T. GRCh37 (hg19) VCF-style: chr16-23641320-G-T.
Other names: c.2095C>A, p.Pro699Thr (NM_001407296.1); c.2155C>A, p.Pro719Thr (NM_001407297.1, NM_001407298.1, NM_001407299.1 and 3 more transcripts); c.1270C>A, p.Pro424Thr (NM_001407304.1, NM_001407305.1, NM_001407306.1 and 5 more transcripts); c.367C>A, p.Pro123Thr (NM_001407312.1, NM_001407313.1); c.49-724C>A (NM_001407314.1); short protein forms P424T, P699T, P719T, P123T.
Identifiers: ClinVar variation 4744726 (VCV004744726.1).